The following is an entry in ClinVar:

NM_001854.4(COL11A1):c.3492+202_3492+205del

Gene: COL11A1 (collagen type XI alpha 1 chain; minus strand). Cytogenetic location: 1p21.1.
Variant type: Microsatellite.
Coding change: c.3492+202_3492+205del on transcript NM_001854.4 (MANE Select); bases 202 to 205 of the intron after coding-DNA position 3492, 4 bases deleted (GTAA; older notation c.3492+202_3492+205delGTAA).
Molecular consequence: intron variant.
Genome position (GRCh38, 1-based): chr1:102,934,855-102,934,858, TTAC deleted on the plus strand (GTAA on the coding strand, the reverse complement: COL11A1 is on the minus strand); deleting any 4 consecutive bases within chr1:102,934,855-102,934,864 gives the same sequence; the c. name uses the placement nearest the transcript's 3' end. VCF-style (leftmost placement, unchanged base first): chr1-102934854-ATTAC-A. GRCh37 (hg19) VCF-style: chr1-103400410-ATTAC-A.
Other names: c.3375+202_3375+205del (NM_001190709.2); c.3528+202_3528+205del (NM_080629.3); c.3144+202_3144+205del (NM_080630.4).
Identifiers: ClinVar variation 677965 (VCV000677965.1), dbSNP rs138714814, ClinGen allele CA27692429.

ClinVar aggregate classification (germline): Benign (1 of 4 stars; one submission).

Submission:

GeneDx
Classification: Benign. Last evaluated: 2018-06-14. Review status: criteria provided, single submitter. Criteria: GeneDx Variant Classification (06012015). Collection method: clinical testing. Allele origin: germline. Affected: yes.
Comment: This variant is considered likely benign or benign based on one or more of the following criteria: it is a conservative change, it occurs at a poorly conserved position in the protein, it is predicted to be benign by multiple in silico algorithms, and/or has population frequency not consistent with disease.